The following is an entry in ClinVar:

ClinVar aggregate classification (germline): Pathogenic (1 of 4 stars; one submission).

Conditions:
Bethlem myopathy 1A. Also called: Bethlem Muscular Dystrophy; Bethlem myopathy 1; MYOPATHY, BENIGN CONGENITAL, WITH CONTRACTURES. Identifiers: Orphanet 610, MedGen CN029274, MONDO:0024530, OMIM 158810.

Submission:

Labcorp Genetics (formerly Invitae), Labcorp
Classification: Pathogenic for Bethlem myopathy 1A. Last evaluated: 2018-12-12. Review status: criteria provided, single submitter. Criteria: Invitae Variant Classification Sherloc (09022015). Collection method: clinical testing. Allele origin: germline.
Comment: This variant has not been reported in the literature in individuals with COL6A1-related conditions. This sequence change creates a premature translational stop signal (p.Gln20*) in the COL6A1 gene. It is expected to result in an absent or disrupted protein product. This variant is not present in population databases (ExAC no frequency). Algorithms developed to predict the effect of sequence changes on RNA splicing suggest that this variant may create or strengthen a splice site, but this prediction has not been confirmed by published transcriptional studies. Loss-of-function variants in COL6A1 are known to be pathogenic (PMID: 19884007, 20976770). For these reasons, this variant has been classified as Pathogenic.

Literature cited by the submitters: PubMed 19884007; PubMed 20976770.

NM_001848.3(COL6A1):c.58C>T (p.Gln20Ter)

Gene: COL6A1 (collagen type VI alpha 1 chain; plus strand). Cytogenetic location: 21q22.3.
Variant type: single nucleotide variant.
Coding change: c.58C>T on transcript NM_001848.3 (MANE Select); coding-DNA position 58, C replaced by T.
Protein change: p.Gln20Ter; replaces glutamine 20 with a stop codon.
Molecular consequence: nonsense.
Genome position (GRCh38, 1-based): chr21:45,981,908, C>T. VCF-style: chr21-45981908-C-T. GRCh37 (hg19) VCF-style: chr21-47401822-C-T.
Other names: short protein forms Q20*.
Identifiers: ClinVar variation 649269 (VCV000649269.7), dbSNP rs1603589167, ClinGen allele CA410513938.